The following is an entry in ClinVar:

NM_000264.5(PTCH1):c.1027G>A (p.Val343Met)

Gene: PTCH1 (patched 1; minus strand). Cytogenetic location: 9q22.32.
Variant type: single nucleotide variant.
Coding change: c.1027G>A on transcript NM_000264.5 (MANE Select); coding-DNA position 1027, G replaced by A.
Protein change: p.Val343Met; replaces valine 343 with methionine.
Molecular consequence: missense variant. On other transcripts: non-coding transcript variant (1).
Genome position (GRCh38, 1-based): chr9:95,480,009, C>T on the plus strand (G>A on the coding strand, the complement: PTCH1 is on the minus strand). VCF-style: chr9-95480009-C-T. GRCh37 (hg19) VCF-style: chr9-98242291-C-T.
Other names: c.1027G>A (NM_000264.3); c.829G>A, p.Val277Met (NM_001083602.3); c.1024G>A, p.Val342Met (NM_001083603.3); c.574G>A, p.Val192Met (NM_001083604.3, NM_001083605.3, NM_001083606.3 and 1 more transcripts); c.1027G>A, p.Val343Met (NM_001354918.2); short protein forms V192M, V277M, V343M, V342M.
Identifiers: ClinVar variation 1442196 (VCV001442196.13), dbSNP rs1564054554, ClinGen allele CA374119638.

ClinVar aggregate classification (germline): Conflicting classifications of pathogenicity. Review status: criteria provided, conflicting classifications (1 of 4 stars). 2 submissions from 2 submitters: Uncertain significance (1); Likely benign (1). Last evaluated 2025-12-15.

Conditions:
Hereditary cancer-predisposing syndrome. Also called: Tumor predisposition; Hereditary neoplastic syndrome; Hereditary Cancer Syndrome; Neoplastic Syndromes, Hereditary. Identifiers: Orphanet 140162, MedGen C0027672, MeSH D009386, MONDO:0015356.
Gorlin syndrome. Also called: Basal cell nevus syndrome; Nevoid Basal Cell Carcinoma Syndrome. Identifiers: Orphanet 377, MedGen C0004779, MONDO:0007187.

Allele frequency attached by ClinVar (database versions not stated): gnomAD exomes below 0.00001.

Submissions (2):

Labcorp Genetics (formerly Invitae), Labcorp
Classification: Likely benign for Gorlin syndrome. Last evaluated: 2025-12-15. Review status: criteria provided, single submitter. Criteria: Invitae Variant Classification Sherloc (09022015). Collection method: clinical testing. Allele origin: germline.

Ambry Genetics
Classification: Uncertain significance for Hereditary cancer-predisposing syndrome. Last evaluated: 2024-10-20. Review status: criteria provided, single submitter. Criteria: Ambry Variant Classification Scheme 2023. Collection method: clinical testing. Allele origin: germline.
Comment: The p.V343M variant (also known as c.1027G>A), located in coding exon 7 of the PTCH1 gene, results from a G to A substitution at nucleotide position 1027. The valine at codon 343 is replaced by methionine, an amino acid with highly similar properties. This amino acid position is conserved. In addition, the in silico prediction for this alteration is inconclusive. Based on the available evidence, the clinical significance of this variant remains unclear.